The following is an entry in ClinVar:

NM_001164760.2(PRKAR1B):c.709-6G>A

Gene: PRKAR1B (protein kinase cAMP-dependent type I regulatory subunit beta; minus strand). Cytogenetic location: 7p22.3.
Variant type: single nucleotide variant.
Coding change: c.709-6G>A on transcript NM_001164760.2 (MANE Select); 6 bases into the intron before coding-DNA position 709, G replaced by A.
Molecular consequence: intron variant.
Genome position (GRCh38, 1-based): chr7:584,574, C>T on the plus strand (G>A on the coding strand, the complement: PRKAR1B is on the minus strand). VCF-style: chr7-584574-C-T. GRCh37 (hg19) VCF-style: chr7-624211-C-T.
Other names: p.?; c.709-6G>A (NM_001164759.1, NM_001164758.2, NM_001164761.2 and 2 more transcripts).
Identifiers: ClinVar variation 716872 (VCV000716872.6), dbSNP rs186825036, ClinGen allele CA4109990.

ClinVar aggregate classification (germline): Benign. Review status: criteria provided, multiple submitters, no conflicts (2 of 4 stars). 3 submissions from 3 submitters: Benign (2). 1 of the submissions does not count toward it. Last evaluated 2025-03-03.

Conditions:
PRKAR1B-related disorder. Also called: PRKAR1B-related condition.

Allele frequency attached by ClinVar (database versions not stated): ESP Exome Variant Server 0.00177; TOPMed 0.00182; 1000 Genomes Project 30x 0.00297; 1000 Genomes Project 0.00240.
gnomAD v4.1: 502 of 1,612,742 alleles (0.031%); highest among the groups gnomAD compares: African/African-American, 0.56%; 1 homozygote.

Submissions (3):

Mayo Clinic Laboratories, Mayo Clinic
Classification: Benign. Last evaluated: 2025-03-03. Review status: criteria provided, single submitter. Criteria: ACMG Guidelines, 2015. Collection method: clinical testing. Allele origin: germline. Observed: 1 variant allele.
Comment: BA1, BP4, BP7

Labcorp Genetics (formerly Invitae), Labcorp
Classification: Benign. Last evaluated: 2018-08-21. Review status: criteria provided, single submitter. Criteria: Invitae Variant Classification Sherloc (09022015). Collection method: clinical testing. Allele origin: germline.

PreventionGenetics, part of Exact Sciences
Classification: Likely benign for PRKAR1B-related condition. Last evaluated: 2024-03-14. Review status: no assertion criteria provided. Collection method: clinical testing. Allele origin: germline. Not counted in ClinVar's aggregate classification.
Comment: This variant is classified as likely benign based on ACMG/AMP sequence variant interpretation guidelines (Richards et al. 2015 PMID: 25741868, with internal and published modifications).